The following is an entry in ClinVar:

NM_205836.3(FBXO38):c.376T>C (p.Phe126Leu)

Gene: FBXO38 (F-box protein 38; plus strand). Cytogenetic location: 5q32.
Variant type: single nucleotide variant.
Coding change: c.376T>C on transcript NM_205836.3 (MANE Select); coding-DNA position 376, T replaced by C.
Protein change: p.Phe126Leu; replaces phenylalanine 126 with leucine.
Molecular consequence: missense variant.
Genome position (GRCh38, 1-based): chr5:148,402,095, T>C. VCF-style: chr5-148402095-T-C. GRCh37 (hg19) VCF-style: chr5-147781658-T-C.
Other names: c.376T>C, p.Phe126Leu (NM_001271723.2, NM_030793.5); short protein forms F126L.
Identifiers: ClinVar variation 2882980 (VCV002882980.3), dbSNP rs756706023, ClinGen allele CA3497015.

ClinVar aggregate classification (germline): Uncertain significance (1 of 4 stars; one submission).

Conditions:
Distal hereditary motor neuropathy type 2. Identifiers: Orphanet 139525, MedGen C3711384, MeSH C580044, MONDO:0015352.

Allele frequency attached by ClinVar (database versions not stated): gnomAD 0.00001; TOPMed 0.00001; ExAC 0.00002.
gnomAD v4.1: 6 of 1,613,526 alleles (0.00037%); highest among the groups gnomAD compares: Non-Finnish European, 0.00051%; no homozygotes.

Submission:

Labcorp Genetics (formerly Invitae), Labcorp
Classification: Uncertain significance for Distal hereditary motor neuropathy type 2. Last evaluated: 2023-09-11. Review status: criteria provided, single submitter. Criteria: Invitae Variant Classification Sherloc (09022015). Collection method: clinical testing. Allele origin: germline.
Comment: This variant has not been reported in the literature in individuals affected with FBXO38-related conditions. This variant is present in population databases (rs756706023, gnomAD 0.004%). This sequence change replaces phenylalanine, which is neutral and non-polar, with leucine, which is neutral and non-polar, at codon 126 of the FBXO38 protein (p.Phe126Leu). In summary, the available evidence is currently insufficient to determine the role of this variant in disease. Therefore, it has been classified as a Variant of Uncertain Significance. Advanced modeling of protein sequence and biophysical properties (such as structural, functional, and spatial information, amino acid conservation, physicochemical variation, residue mobility, and thermodynamic stability) performed at Invitae indicates that this missense variant is not expected to disrupt FBXO38 protein function.